The following is an entry in ClinVar:

NM_000132.4(F8):c.640T>G (p.Phe214Val)

Gene: F8 (coagulation factor VIII; minus strand). Cytogenetic location: Xq28.
Variant type: single nucleotide variant.
Coding change: c.640T>G on transcript NM_000132.4 (MANE Select); coding-DNA position 640, T replaced by G.
Protein change: p.Phe214Val; replaces phenylalanine 214 with valine.
Molecular consequence: missense variant.
Genome position (GRCh38, 1-based): chrX:154,987,267, A>C on the plus strand (T>G on the coding strand, the complement: F8 is on the minus strand). VCF-style: chrX-154987267-A-C. GRCh37 (hg19) VCF-style: chrX-154215542-A-C.
Other names: short protein forms F214V.
Identifiers: ClinVar variation 993937 (VCV000993937.8), dbSNP rs2073563995, ClinGen allele CA414919260.

ClinVar aggregate classification (germline): Likely pathogenic (1 of 4 stars; one submission).

Conditions:
Hereditary factor VIII deficiency disease (HEMA). Also called: AUTOSOMAL HEMOPHILIA A; Hemophilia A, congenital; HEM A; Factor 8 deficiency, congenital; HEMOPHILIA, CLASSIC; Hemophilia A. Identifiers: Orphanet 98878, MedGen C0019069, MONDO:0010602, OMIM 306700.

Submission:

ARUP Laboratories, Molecular Genetics and Genomics, ARUP Laboratories
Classification: Likely pathogenic for Hereditary factor VIII deficiency disease. Last evaluated: 2020-07-28. Review status: criteria provided, single submitter. Criteria: ARUP Molecular Germline Variant Investigation Process. Collection method: clinical testing. Allele origin: germline.
Comment: The F8 c.640T>G; p.Phe214Val variant, also known in traditional nomenclature as p.Phe195Val, is reported in the literature in an individual affected with mild hemophilia A and F8 activity measured at 16 IU/dL (Waseem 1999). This variant is absent from general population databases (Exome Variant Server, Genome Aggregation Database), indicating it is not a common polymorphism. The phenylalanine at codon 214 is highly conserved, and computational analyses (SIFT, PolyPhen-2) predict that this variant is deleterious. Additionally, other amino acid substitutions at this codon (p.Phe214Cys, p.Phe214Leu, p.Phe214Ser) have been reported in individuals with mild to moderate hemophilia A and are considered disease-causing (Margaglione 2008, Miller 2012, Seary 2012). Based on available information, the p.Phe214Val variant is considered to be likely pathogenic. References: Margaglione M et al. The Italian AICE-Genetics hemophilia A database: results and correlation with clinical phenotype. Haematologica. 2008;93(5):722-728. Miller CH et al. F8 and F9 mutations in US haemophilia patients: correlation with history of inhibitor and race/ethnicity. Haemophilia. 2012;18(3):375-382. Seary ME et al. DDAVP responsiveness in children with mild or moderate haemophilia A correlates with age, endogenous FVIII:C level and with haemophilic genotype. Haemophilia. 2012;18(1):50-55. Waseem NH et al. Start of UK confidential haemophilia A database: analysis of 142 patients by solid phase fluorescent chemical cleavage of mismatch. Haemophilia Centres. Thromb Haemost. 1999;81(6):900-905.